The following is an entry in ClinVar:

NM_001383.6(DPH1):c.693T>G (p.Asp231Glu)

Gene: DPH1 (diphthamide biosynthesis 1; plus strand). Cytogenetic location: 17p13.3.
Variant type: single nucleotide variant.
Coding change: c.693T>G on transcript NM_001383.6 (MANE Select); coding-DNA position 693, T replaced by G.
Protein change: p.Asp231Glu; replaces aspartic acid 231 with glutamic acid.
Molecular consequence: missense variant. On other transcripts: non-coding transcript variant (3).
Genome position (GRCh38, 1-based): chr17:2,039,767, T>G. VCF-style: chr17-2039767-T-G. GRCh37 (hg19) VCF-style: chr17-1943061-T-G.
Other names: c.708T>G (NM_001383.3); c.708T>G, p.Asp236Glu (NM_001346574.1); c.675T>G, p.Asp225Glu (NM_001346575.1); c.288T>G, p.Asp96Glu (NM_001346576.2); short protein forms D225E, D231E, D236E, D96E.
Identifiers: ClinVar variation 3382880 (VCV003382880.3).

ClinVar aggregate classification (germline): Uncertain significance. Review status: criteria provided, multiple submitters, no conflicts (2 of 4 stars). 2 submissions from 2 submitters: Uncertain significance (2). Last evaluated 2025-08-06.

Conditions:
Developmental delay with short stature, dysmorphic facial features, and sparse hair 1. Also called: LOUCKS-INNES SYNDROME. Identifiers: MedGen CN323360, MONDO:0800438, OMIM 616901.

gnomAD v4.1: 5 of 1,614,142 alleles (0.00031%); highest among the groups gnomAD compares: East Asian, 0.0089%; no homozygotes.

Submissions (2):

GeneDx
Classification: Uncertain significance. Last evaluated: 2025-08-06. Review status: criteria provided, single submitter. Criteria: GeneDx Variant Classification Process June 2021. Collection method: clinical testing. Allele origin: germline. Affected: yes.
Comment: In silico analysis supports that this missense variant has a deleterious effect on protein structure/function; Has not been previously published as pathogenic or benign to our knowledge

Juno Genomics, Hangzhou Juno Genomics, Inc
Classification: Uncertain significance for Developmental delay with short stature, dysmorphic facial features, and sparse hair 1. Review status: criteria provided, single submitter. Criteria: ACMG Guidelines, 2015. Collection method: clinical testing. Allele origin: germline. Affected: yes.
Comment: Absent from controls (or at extremely low frequency if recessive) in Genome Aggregation Database, Exome Sequencing Project, 1000 Genomes Project, or Exome Aggregation Consortium.;Co-segregation with disease in multiple affected family members in a gene definitively known to cause the disease.